The following is an entry in ClinVar:

ClinVar aggregate classification (germline): Uncertain significance (1 of 4 stars; one submission).

Submission:

GeneDx
Classification: Uncertain significance. Last evaluated: 2024-11-10. Review status: criteria provided, single submitter. Criteria: GeneDx Variant Classification Process June 2021. Collection method: clinical testing. Allele origin: germline. Affected: yes.
Comment: Not observed at significant frequency in large population cohorts (gnomAD); In silico analysis supports that this missense variant has a deleterious effect on protein structure/function; Has not been previously published as pathogenic or benign to our knowledge

NM_024915.4(GRHL2):c.812A>G (p.Asn271Ser)

Gene: GRHL2 (grainyhead like transcription factor 2; plus strand). Cytogenetic location: 8q22.3.
Variant type: single nucleotide variant.
Coding change: c.812A>G on transcript NM_024915.4 (MANE Select); coding-DNA position 812, A replaced by G.
Protein change: p.Asn271Ser; replaces asparagine 271 with serine.
Molecular consequence: missense variant.
Genome position (GRCh38, 1-based): chr8:101,573,745, A>G. VCF-style: chr8-101573745-A-G. GRCh37 (hg19) VCF-style: chr8-102585973-A-G.
Other names: c.764A>G, p.Asn255Ser (NM_001330593.2); short protein forms N255S, N271S.
Identifiers: ClinVar variation 3899058 (VCV003899058.1).